The following is an entry in ClinVar:

ClinVar aggregate classification (germline): Uncertain significance. Review status: reviewed by expert panel (3 of 4 stars). 5 submissions from 5 submitters: Uncertain significance (1). 4 of the submissions do not count toward it. Last evaluated 2025-04-28.

Conditions:
Deficiency of guanidinoacetate methyltransferase (CCDS2). Also called: GAMT DEFICIENCY; Guanidinoacetate Methyltransferase (GAMT) Deficiency; CEREBRAL CREATINE DEFICIENCY SYNDROME 2. Identifiers: Orphanet 382, MedGen C0574080, MONDO:0012999, OMIM 612736.
Cerebral creatine deficiency syndrome. Also called: Creatine deficiency syndromes. Identifiers: Orphanet 79172, MedGen C5244016, MONDO:0000456.

Allele frequency attached by ClinVar (database versions not stated): TOPMed 0.00010; gnomAD 0.00003.
gnomAD v4.1: 57 of 1,611,394 alleles (0.0035%); highest among the groups gnomAD compares: African/African-American, 0.0067%; no homozygotes.

Submissions (5):

ClinGen Cerebral Creatine Deficiency Syndromes Variant Curation Expert Panel, ClinGen
Classification: Uncertain significance for Deficiency of guanidinoacetate methyltransferase. Last evaluated: 2025-04-28. Review status: reviewed by expert panel. Criteria: ClinGen CCDS ACMG Specifications GAMT V2.0.0. Collection method: curation. Allele origin: germline. Inheritance: Autosomal recessive inheritance.
Comment: The NM_000156.6:c.650C>T variant in GAMT is a missense variant predicted to result in the substitution of proline for leucine at amino acid 217 (p.Pro217Leu). The highest population minor allele frequency in gnomAD v4.1.0. is 0.00006674 (5/74922 alleles) in the African African American population, which is lower than the ClinGen CCDS VCEP’s threshold for PM2_Supporting (<0.0004), meeting this criterion (PM2_Supporting). The computational predictor REVEL gives a score of 0.773, in the range of 0.644-0.773, evidence that correlates with impact to GAMT function at the supporting level (PMID: 36413997) (PP3). SpliceAI predicts that the variant has no impact on splicing. To our knowledge, this variant has not been reported in published literature in individuals with GAMT deficiency, and the results of functional studies are unavailable. This variant has been previously reported in ClinVar (Variation ID: 205592). In summary, this variant meets the criteria to be classified as a variant of uncertain significance for GAMT deficiency. GAMT-specific ACMG/AMP codes met, as specified by the ClinGen Cerebral Creatine Deficiency Syndromes VCEP (Specifications Version 2.0.0): PP3, PM2_Supporting. (Classification approved by the ClinGen CCDS VCEP on April 28, 2025).

GeneDx
Classification: Uncertain significance. Last evaluated: 2024-05-31. Review status: criteria provided, single submitter. Criteria: GeneDx Variant Classification Process June 2021. Collection method: clinical testing. Allele origin: germline. Affected: yes. Not counted in ClinVar's aggregate classification.
Comment: Not observed at significant frequency in large population cohorts (gnomAD); In silico analysis supports that this missense variant has a deleterious effect on protein structure/function; Has not been previously published in a peer reviewed journal to our knowledge; This variant is associated with the following publications: (PMID: Di Muro2019[Thesis])

Labcorp Genetics (formerly Invitae), Labcorp
Classification: Uncertain significance for Cerebral creatine deficiency syndrome. Last evaluated: 2024-01-08. Review status: criteria provided, single submitter. Criteria: Invitae Variant Classification Sherloc (09022015). Collection method: clinical testing. Allele origin: germline. Not counted in ClinVar's aggregate classification.
Comment: This sequence change replaces proline, which is neutral and non-polar, with leucine, which is neutral and non-polar, at codon 217 of the GAMT protein (p.Pro217Leu). This variant is present in population databases (rs139890971, gnomAD 0.008%). This variant has not been reported in the literature in individuals affected with GAMT-related conditions. ClinVar contains an entry for this variant (Variation ID: 205592). Advanced modeling of protein sequence and biophysical properties (such as structural, functional, and spatial information, amino acid conservation, physicochemical variation, residue mobility, and thermodynamic stability) has been performed at Invitae for this missense variant, however the output from this modeling did not meet the statistical confidence thresholds required to predict the impact of this variant on GAMT protein function. In summary, the available evidence is currently insufficient to determine the role of this variant in disease. Therefore, it has been classified as a Variant of Uncertain Significance.

Eurofins Ntd Llc (ga)
Classification: Uncertain significance. Last evaluated: 2015-10-21. Review status: criteria provided, single submitter. Criteria: EGL Classification Definitions 2015. Collection method: clinical testing. Allele origin: germline. Observed: 1 variant allele, 1 heterozygote. Not counted in ClinVar's aggregate classification.

Natera, Inc.
Classification: Uncertain significance for Guanidinoacetate methyltransferase deficiency. Last evaluated: 2020-01-25. Review status: no assertion criteria provided. Collection method: clinical testing. Allele origin: germline. Not counted in ClinVar's aggregate classification.

NM_000156.6(GAMT):c.650C>T (p.Pro217Leu)

Gene: GAMT (guanidinoacetate N-methyltransferase; minus strand). Cytogenetic location: 19p13.3.
Variant type: single nucleotide variant.
Coding change: c.650C>T on transcript NM_000156.6 (MANE Select); coding-DNA position 650, C replaced by T.
Protein change: p.Pro217Leu; replaces proline 217 with leucine.
Molecular consequence: missense variant.
Genome position (GRCh38, 1-based): chr19:1,397,420, G>A on the plus strand (C>T on the coding strand, the complement: GAMT is on the minus strand). VCF-style: chr19-1397420-G-A. GRCh37 (hg19) VCF-style: chr19-1397419-G-A.
Other names: p.P217L:CCG>CTG; NM_000156.6(GAMT):c.650C>T; p.Pro217Leu; short protein forms P217L.
Identifiers: ClinVar variation 205592 (VCV000205592.13), dbSNP rs139890971, ClinGen allele CA314828.
Genomic context (GRCh38, chr19:1,397,420, plus strand): 5'-CAGCCTTTGGTCACCAGGGGCGTGATCATCTGTGGGAAGGCGTAGTAGCGGCAGTCGGCC[G>A]GTGGGACCAGCGCCATCACCTCCGTACGGATGTTCTCCCTCCGGAAGCCGGCCTCCAGCA-3'
Protein context (NP_000147.1, residues 207-227): IRTEVMALVP[Pro217Leu]ADCRYYAFPQ